The following is an entry in ClinVar:

ClinVar aggregate classification (germline): Benign/Likely benign. Review status: criteria provided, multiple submitters, no conflicts (2 of 4 stars). 2 submissions from 2 submitters: Benign (1); Likely benign (1). Last evaluated 2025-01-31.

Conditions:
Hereditary cancer-predisposing syndrome. Also called: Neoplastic Syndromes, Hereditary; Tumor predisposition; Hereditary Cancer Syndrome; Hereditary neoplastic syndrome. Identifiers: Orphanet 140162, MedGen C0027672, MeSH D009386, MONDO:0015356.
Lynch syndrome 4 (LYNCH4). Also called: Colorectal cancer, hereditary nonpolyposis, type 4; Hereditary non-polyposis colorectal cancer, type 4. Identifiers: Orphanet 144, MedGen C1838333, MONDO:0013699, OMIM 614337. Disease mechanism: loss of function.

Submissions (2):

Myriad Genetics, Inc.
Classification: Benign for Lynch syndrome 4. Last evaluated: 2025-01-31. Review status: criteria provided, single submitter. Criteria: Myriad Autosomal Dominant, Autosomal Recessive and X-Linked Classification Criteria (2023). Collection method: clinical testing. Allele origin: unknown.
Comment: This variant is considered benign. This variant is a silent/synonymous amino acid change and it is not expected to impact splicing.

Ambry Genetics
Classification: Likely benign for Hereditary cancer-predisposing syndrome. Last evaluated: 2020-04-15. Review status: criteria provided, single submitter. Criteria: Ambry Variant Classification Scheme 2023. Collection method: clinical testing. Allele origin: germline.

NM_000535.7(PMS2):c.1761T>C (p.Ser587=)

Gene: PMS2 (PMS1 homolog 2, mismatch repair system component; minus strand). Cytogenetic location: 7p22.1.
Variant type: single nucleotide variant.
Coding change: c.1761T>C on transcript NM_000535.7 (MANE Select); coding-DNA position 1761, T replaced by C.
Protein change: p.Ser587=; no amino-acid change (serine 587 retained).
Molecular consequence: synonymous variant. On other transcripts: non-coding transcript variant (1), intron variant (1).
Genome position (GRCh38, 1-based): chr7:5,987,004, A>G on the plus strand (T>C on the coding strand, the complement: PMS2 is on the minus strand). VCF-style: chr7-5987004-A-G. GRCh37 (hg19) VCF-style: chr7-6026635-A-G.
Other names: c.1356T>C, p.Ser452= (NM_001018040.1, NM_001322003.2, NM_001322004.2 and 17 more transcripts); c.1605T>C, p.Ser535= (NM_001322006.2, NM_001406870.1); c.1443T>C, p.Ser481= (NM_001322007.2, NM_001322008.2, NM_001406876.1 and 2 more transcripts); c.1200T>C, p.Ser400= (NM_001322010.2, NM_001406906.1, NM_001406907.1); c.828T>C, p.Ser276= (NM_001322011.2, NM_001322012.2); c.1188T>C, p.Ser396= (NM_001322013.2, NM_001406909.1); c.1761T>C, p.Ser587= (NM_001322014.2, NM_001406871.1, NM_001406872.1); c.1452T>C, p.Ser484= (NM_001322015.2, NM_001406875.1, NM_001406877.1 and 5 more transcripts); and 13 more.
Identifiers: ClinVar variation 1779595 (VCV001779595.3), dbSNP rs1311237867, ClinGen allele CA453746001.